The following is an entry in ClinVar:

ClinVar aggregate classification (germline): Uncertain significance. Review status: criteria provided, multiple submitters, no conflicts (2 of 4 stars). 4 submissions from 4 submitters: Uncertain significance (4). Last evaluated 2026-02-01.

Conditions:
Hereditary cancer-predisposing syndrome. Also called: Neoplastic Syndromes, Hereditary; Tumor predisposition; Hereditary Cancer Syndrome; Hereditary neoplastic syndrome. Identifiers: Orphanet 140162, MedGen C0027672, MeSH D009386, MONDO:0015356.
Familial cancer of breast. Also called: BREAST CANCER, FAMILIAL; hereditary breast carcinoma; Hereditary breast cancer. Identifiers: Orphanet 227535, MedGen C0346153, MONDO:0016419, OMIM 114480. Disease mechanism: loss of function.

Allele frequency attached by ClinVar (database versions not stated): gnomAD exomes below 0.00001.
gnomAD v4.1: 4 of 1,612,094 alleles (0.00025%); highest among the groups gnomAD compares: South Asian, 0.0033%; no homozygotes.

Submissions (4):

Labcorp Genetics (formerly Invitae), Labcorp
Classification: Uncertain significance for Familial cancer of breast. Last evaluated: 2026-02-01. Review status: criteria provided, single submitter. Criteria: Invitae Variant Classification Sherloc (09022015). Collection method: clinical testing. Allele origin: germline.
Comment: This sequence change replaces glycine, which is neutral and non-polar, with aspartic acid, which is acidic and polar, at codon 439 of the BARD1 protein (p.Gly439Asp). This variant is not present in population databases (gnomAD no frequency). This variant has not been reported in the literature in individuals affected with BARD1-related conditions. ClinVar contains an entry for this variant (Variation ID: 923762). An algorithm developed to predict the effect of missense changes on protein structure and function (PolyPhen-2) suggests that this variant is likely to be disruptive. In summary, the available evidence is currently insufficient to determine the role of this variant in disease. Therefore, it has been classified as a Variant of Uncertain Significance.

Baylor Genetics
Classification: Uncertain significance for Familial cancer of breast. Last evaluated: 2024-02-01. Review status: criteria provided, single submitter. Criteria: ACMG Guidelines, 2015. Collection method: clinical testing. Allele origin: unknown.

Ambry Genetics
Classification: Uncertain significance for Hereditary cancer-predisposing syndrome. Last evaluated: 2022-05-11. Review status: criteria provided, single submitter. Criteria: Ambry Variant Classification Scheme 2023. Collection method: clinical testing. Allele origin: germline.
Comment: The p.G439D variant (also known as c.1316G>A), located in coding exon 5 of the BARD1 gene, results from a G to A substitution at nucleotide position 1316. The glycine at codon 439 is replaced by aspartic acid, an amino acid with similar properties. This amino acid position is highly conserved in available vertebrate species. In addition, this alteration is predicted to be deleterious by in silico analysis. Since supporting evidence is limited at this time, the clinical significance of this alteration remains unclear.

Color Diagnostics, LLC DBA Color Health
Classification: Uncertain significance for Hereditary cancer-predisposing syndrome. Last evaluated: 2020-01-22. Review status: criteria provided, single submitter. Criteria: ACMG Guidelines, 2015. Collection method: clinical testing. Allele origin: germline.
Comment: This missense variant replaces glycine with aspartic acid at codon 439 of the BARD1 protein. Computational prediction tool suggests that this variant may have deleterious impact on protein structure and function (internally defined REVEL score threshold ≥0.7, PMID: 27666373). Splice site prediction tools suggest that this variant may not impact RNA splicing. To our knowledge, functional studies have not been performed for this variant. This variant has not been reported in individuals affected with hereditary cancer in the literature. This variant has not been identified in the general population by the Genome Aggregation Database (gnomAD). The available evidence is insufficient to determine the role of this variant in disease conclusively. Therefore, this variant is classified as a Variant of Uncertain Significance.

NM_000465.4(BARD1):c.1316G>A (p.Gly439Asp)

Gene: BARD1 (BRCA1 associated RING domain 1; minus strand). Cytogenetic location: 2q35.
Variant type: single nucleotide variant.
Coding change: c.1316G>A on transcript NM_000465.4 (MANE Select); coding-DNA position 1316, G replaced by A.
Protein change: p.Gly439Asp; replaces glycine 439 with aspartic acid.
Molecular consequence: missense variant. On other transcripts: non-coding transcript variant (3), intron variant (3).
Genome position (GRCh38, 1-based): chr2:214,769,311, C>T on the plus strand (G>A on the coding strand, the complement: BARD1 is on the minus strand). VCF-style: chr2-214769311-C-T. GRCh37 (hg19) VCF-style: chr2-215634035-C-T.
Other names: c.1259G>A, p.Gly420Asp (NM_001282543.2); c.159-16756G>A (NM_001282548.2); c.216-16756G>A (NM_001282545.2); c.364+22986G>A (NM_001282549.2); c.1316G>A (NM_000465.2); short protein forms G439D, G420D.
Identifiers: ClinVar variation 923762 (VCV000923762.13), dbSNP rs1694366890, ClinGen allele CA350450575.